The following is an entry in ClinVar:

NM_033159.4(HYAL1):c.408_409insA (p.Trp137fs)

Gene: HYAL1 (hyaluronidase 1; minus strand). Cytogenetic location: 3p21.31.
Variant type: Insertion.
Coding change: c.408_409insA on transcript NM_033159.4 (MANE Select); coding-DNA positions 408 to 409, A inserted.
Protein change: p.Trp137fs; shifts the reading frame from tryptophan 137.
Molecular consequence: frameshift variant. On other transcripts: 5 prime UTR variant (1), non-coding transcript variant (1), intron variant (1).
Genome position: GRCh38 VCF-style: chr3-50302548-A-AT. GRCh37 (hg19) VCF-style: chr3-50339979-A-AT.
Other names: c.408_409insA, p.Trp137fs (NM_153281.2, NM_153282.3); c.-139_-138insA (NM_153283.3); c.-26-344_-26-343insA (NM_153285.3); short protein forms W137fs.
Identifiers: ClinVar variation 4069602 (VCV004069602.2).

ClinVar aggregate classification (germline): Likely pathogenic (1 of 4 stars; one submission).

Conditions:
Deficiency of hyaluronoglucosaminidase (MPS9). Also called: Mucopolysaccharidosis type 9; HYALURONIDASE DEFICIENCY; MPS IX. Identifiers: Orphanet 67041, MedGen C1291490, MONDO:0011093, OMIM 601492.

Submission:

Natera, Inc.
Classification: Likely pathogenic for Mucopolysaccharidosis type IX. Last evaluated: 2025-01-30. Review status: criteria provided, single submitter. Criteria: Natera Variant Classification Schema (03/2026). Collection method: clinical testing. Allele origin: germline.
Comment: The c.408_409insA variant in HYAL1 is a frameshift variant predicted to shift the reading frame beginning at codon 137 and leads to a stop codon 25 codons downstream. This variant is expected to result in nonsense mediated decay, truncation, or a dysfunctional protein product. This variant is rare in the general population with a frequency below the threshold expected for the associated phenotype(s). Given the available evidence, this variant is classified as Likely Pathogenic.